The following is an entry in ClinVar:

ClinVar aggregate classification (germline): Uncertain significance (1 of 4 stars; one submission).

Conditions:
Primary ciliary dyskinesia. Also called: Ciliary dyskinesia. Identifiers: Orphanet 244, MedGen C0008780, MONDO:0016575, HP:0012265.

Submission:

Labcorp Genetics (formerly Invitae), Labcorp
Classification: Uncertain significance for Primary ciliary dyskinesia. Last evaluated: 2022-08-06. Review status: criteria provided, single submitter. Criteria: Invitae Variant Classification Sherloc (09022015). Collection method: clinical testing. Allele origin: germline.
Comment: This sequence change replaces threonine, which is neutral and polar, with alanine, which is neutral and non-polar, at codon 2072 of the DNAH8 protein (p.Thr2072Ala). This variant is not present in population databases (gnomAD no frequency). This variant has not been reported in the literature in individuals affected with DNAH8-related conditions. Algorithms developed to predict the effect of missense changes on protein structure and function are either unavailable or do not agree on the potential impact of this missense change (SIFT: "Deleterious"; PolyPhen-2: "Not Available"; Align-GVGD: "Class C0"). In summary, the available evidence is currently insufficient to determine the role of this variant in disease. Therefore, it has been classified as a Variant of Uncertain Significance.

NM_001206927.2(DNAH8):c.6214A>G (p.Thr2072Ala)

Gene: DNAH8 (dynein axonemal heavy chain 8; plus strand). Cytogenetic location: 6p21.2.
Variant type: single nucleotide variant.
Coding change: c.6214A>G on transcript NM_001206927.2 (MANE Select); coding-DNA position 6214, A replaced by G.
Protein change: p.Thr2072Ala; replaces threonine 2072 with alanine.
Molecular consequence: missense variant.
Genome position (GRCh38, 1-based): chr6:38,862,362, A>G. VCF-style: chr6-38862362-A-G. GRCh37 (hg19) VCF-style: chr6-38830138-A-G.
Other names: c.5563A>G, p.Thr1855Ala (NM_001371.4); short protein forms T1855A, T2072A.
Identifiers: ClinVar variation 1715344 (VCV001715344.6), dbSNP rs2532992058, ClinGen allele CA364022117.